The following is an entry in ClinVar:

ClinVar aggregate classification (germline): Likely benign (0 of 4 stars; one submission).

Conditions:
DYNC1H1-related disorder. Also called: DYNC1H1-related condition; DYNC1H1-related disorders. Identifiers: MedGen CN381529.

Submission:

PreventionGenetics, part of Exact Sciences
Classification: Likely benign for DYNC1H1-related condition. Last evaluated: 2024-05-08. Review status: no assertion criteria provided. Collection method: clinical testing. Allele origin: germline.
Comment: This variant is classified as likely benign based on ACMG/AMP sequence variant interpretation guidelines (Richards et al. 2015 PMID: 25741868, with internal and published modifications).

NM_001376.5(DYNC1H1):c.5895G>A (p.Glu1965=)

Gene: DYNC1H1 (dynein cytoplasmic 1 heavy chain 1; plus strand). Cytogenetic location: 14q32.31.
Variant type: single nucleotide variant.
Coding change: c.5895G>A on transcript NM_001376.5 (MANE Select); coding-DNA position 5895, G replaced by A.
Protein change: p.Glu1965=; no amino-acid change (glutamic acid 1965 retained).
Molecular consequence: synonymous variant.
Genome position (GRCh38, 1-based): chr14:102,008,255, G>A. VCF-style: chr14-102008255-G-A. GRCh37 (hg19) VCF-style: chr14-102474592-G-A.
Identifiers: ClinVar variation 3347567 (VCV003347567.1).